The following is an entry in ClinVar:

NM_001005361.3(DNM2):c.480C>T (p.Ile160=)

Gene: DNM2 (dynamin 2; plus strand). Cytogenetic location: 19p13.2.
Variant type: single nucleotide variant.
Coding change: c.480C>T on transcript NM_001005361.3 (MANE Select); coding-DNA position 480, C replaced by T.
Protein change: p.Ile160=; no amino-acid change (isoleucine 160 retained).
Molecular consequence: synonymous variant.
Genome position (GRCh38, 1-based): chr19:10,775,797, C>T. VCF-style: chr19-10775797-C-T. GRCh37 (hg19) VCF-style: chr19-10886473-C-T.
Other names: c.480C>T, p.Ile160= (NM_001005360.3, NM_001005362.3, NM_001190716.2 and 1 more transcripts).
Identifiers: ClinVar variation 465290 (VCV000465290.19), dbSNP rs140036663, ClinGen allele CA9200806.

ClinVar aggregate classification (germline): Benign/Likely benign. Review status: criteria provided, multiple submitters, no conflicts (2 of 4 stars). 6 submissions from 6 submitters: Benign (1); Likely benign (4). 1 of the submissions does not count toward it. Last evaluated 2026-06-08.

Conditions:
DNM2-related disorder. Also called: DNM2-related condition.
Inborn genetic diseases. Identifiers: MedGen C0950123, MeSH D030342.
Charcot-Marie-Tooth disease dominant intermediate B (CMTDIB). Also called: CHARCOT-MARIE-TOOTH NEUROPATHY, DOMINANT INTERMEDIATE B; Charcot-Marie-Tooth disease dominant intermediate 1; CMT DI1; Charcot-Marie-Tooth disease dominant intermediate I. Identifiers: Orphanet 100044, Orphanet 228179, MedGen C1847902, MONDO:0011674, OMIM 606482.

Allele frequency attached by ClinVar (database versions not stated): TOPMed 0.00010; gnomAD 0.00017 and 0.00016; gnomAD exomes 0.00017; ExAC 0.00020; ESP Exome Variant Server 0.00031.
gnomAD v4.1: 310 of 1,614,070 alleles (0.019%); highest among the groups gnomAD compares: Middle Eastern, 0.082%; no homozygotes.

Submissions (6):

Women's Health and Genetics/Laboratory Corporation of America, LabCorp
Classification: Benign. Last evaluated: 2026-06-08. Review status: criteria provided, single submitter. Criteria: LabCorp Variant Classification Summary - May 2015. Collection method: clinical testing. Allele origin: germline.

Labcorp Genetics (formerly Invitae), Labcorp
Classification: Likely benign for Charcot-Marie-Tooth disease dominant intermediate B. Last evaluated: 2026-01-26. Review status: criteria provided, single submitter. Criteria: Invitae Variant Classification Sherloc (09022015). Collection method: clinical testing. Allele origin: germline.

Ambry Genetics
Classification: Likely benign for Inborn genetic diseases. Last evaluated: 2019-07-11. Review status: criteria provided, single submitter. Criteria: Ambry Variant Classification Scheme 2023. Collection method: clinical testing. Allele origin: germline.

GeneDx
Classification: Likely benign. Last evaluated: 2019-04-03. Review status: criteria provided, single submitter. Criteria: GeneDx Variant Classification Process June 2021. Collection method: clinical testing. Allele origin: germline. Affected: yes.

Athena Diagnostics
Classification: Likely benign. Last evaluated: 2019-03-12. Review status: criteria provided, single submitter. Criteria: Athena Diagnostics Criteria. Collection method: clinical testing. Allele origin: germline.

PreventionGenetics, part of Exact Sciences
Classification: Likely benign for DNM2-related condition. Last evaluated: 2019-05-13. Review status: no assertion criteria provided. Collection method: clinical testing. Allele origin: germline. Not counted in ClinVar's aggregate classification.
Comment: This variant is classified as likely benign based on ACMG/AMP sequence variant interpretation guidelines (Richards et al. 2015 PMID: 25741868, with internal and published modifications).